The following is an entry in ClinVar:

ClinVar aggregate classification (germline): Uncertain significance (1 of 4 stars; one submission).

Conditions:
Primary ciliary dyskinesia. Also called: Ciliary dyskinesia. Identifiers: Orphanet 244, MedGen C0008780, MONDO:0016575, HP:0012265.

Allele frequency attached by ClinVar (database versions not stated): gnomAD exomes 0.00001; ExAC 0.00002; TOPMed 0.00002; gnomAD 0.00003; ESP Exome Variant Server 0.00008.
gnomAD v4.1: 19 of 1,612,098 alleles (0.0012%); highest among the groups gnomAD compares: Non-Finnish European, 0.0013%; no homozygotes.

Submission:

Labcorp Genetics (formerly Invitae), Labcorp
Classification: Uncertain significance for Primary ciliary dyskinesia. Last evaluated: 2022-08-08. Review status: criteria provided, single submitter. Criteria: Invitae Variant Classification Sherloc (09022015). Collection method: clinical testing. Allele origin: germline.
Comment: This sequence change replaces isoleucine, which is neutral and non-polar, with methionine, which is neutral and non-polar, at codon 3789 of the DNAH8 protein (p.Ile3789Met). This variant is present in population databases (rs145133976, gnomAD 0.003%). This variant has not been reported in the literature in individuals affected with DNAH8-related conditions. Algorithms developed to predict the effect of missense changes on protein structure and function are either unavailable or do not agree on the potential impact of this missense change (SIFT: "Deleterious"; PolyPhen-2: "Not Available"; Align-GVGD: "Class C0"). In summary, the available evidence is currently insufficient to determine the role of this variant in disease. Therefore, it has been classified as a Variant of Uncertain Significance.

NM_001206927.2(DNAH8):c.11367T>G (p.Ile3789Met)

Genes: DNAH8 (dynein axonemal heavy chain 8; plus strand), DNAH8-AS1 (DNAH8 antisense RNA 1; minus strand). Cytogenetic location: 6p21.2.
Variant type: single nucleotide variant.
Coding change: c.11367T>G on transcript NM_001206927.2 (MANE Select); coding-DNA position 11367, T replaced by G.
Protein change: p.Ile3789Met; replaces isoleucine 3789 with methionine.
Molecular consequence: missense variant.
Genome position (GRCh38, 1-based): chr6:38,931,903, T>G. VCF-style: chr6-38931903-T-G. GRCh37 (hg19) VCF-style: chr6-38899679-T-G.
Other names: c.10716T>G, p.Ile3572Met (NM_001371.4); short protein forms I3789M, I3572M.
Identifiers: ClinVar variation 2153840 (VCV002153840.1), dbSNP rs145133976, ClinGen allele CA3791026.